The following is an entry in ClinVar:

NM_144997.7(FLCN):c.1607_1622del (p.Leu536fs)

Gene: FLCN (folliculin; minus strand). Cytogenetic location: 17p11.2.
Variant type: Deletion.
Coding change: c.1607_1622del on transcript NM_144997.7 (MANE Select); coding-DNA positions 1607 to 1622, 16 bases deleted (TGAGCATCCTGGGTGC).
Protein change: p.Leu536fs; shifts the reading frame from leucine 536.
Molecular consequence: frameshift variant.
Genome position (GRCh38, 1-based): chr17:17,213,773-17,213,788, GCACCCAGGATGCTCA deleted on the plus strand (TGAGCATCCTGGGTGC on the coding strand, the reverse complement: FLCN is on the minus strand); deleting any 16 consecutive bases within chr17:17,213,773-17,213,791 gives the same sequence; the c. name uses the placement nearest the transcript's 3' end. VCF-style (leftmost placement, unchanged base first): chr17-17213772-CGCACCCAGGATGCTCA-C. GRCh37 (hg19) VCF-style: chr17-17117086-CGCACCCAGGATGCTCA-C.
Other names: c.1607_1622del16 (NM_144997.5); c.1607_1622del (LRG_325t1); c.1661_1676del, p.Leu554fs (NM_001353229.2); c.1607_1622del, p.Leu536fs (NM_001353230.2, NM_001353231.2); short protein forms L536fs, L554fs.
Identifiers: ClinVar variation 651413 (VCV000651413.11), dbSNP rs1597574088, ClinGen allele CA915949594.
Genomic context (GRCh38, chr17:17,213,772, plus strand): 5'-GTAGGTCTTGCTCAGGCCAGTCATCCAGAACTTCAGCAGCTTGACATTGTCCTCCTCGGA[CGCACCCAGGATGCTCA>C]GCAGCTTCTGTGTGTCCTCTTTGGGTCGACTGTCCACCTTGGTGAACTTAAAAAGCACCT-3'

ClinVar aggregate classification (germline): Pathogenic/Likely pathogenic. Review status: criteria provided, multiple submitters, no conflicts (2 of 4 stars). 5 submissions from 5 submitters: Pathogenic (4); Likely pathogenic (1). Last evaluated 2025-02-16.

Conditions:
Birt-Hogg-Dube syndrome. Also called: Birt Hogg Dubé syndrome. Identifiers: Orphanet 122, MedGen C0346010, MONDO:0800444.
FLCN-related disorders.
Hereditary cancer-predisposing syndrome. Also called: Neoplastic Syndromes, Hereditary; Hereditary Cancer Syndrome; Tumor predisposition; Hereditary neoplastic syndrome. Identifiers: Orphanet 140162, MedGen C0027672, MeSH D009386, MONDO:0015356.

Submissions (5):

Laboratory of Genetics, Children's Clinical University Hospital Latvia
Classification: Pathogenic. Last evaluated: 2025-02-16. Review status: criteria provided, single submitter. Criteria: ACMG Guidelines, 2015. Collection method: clinical testing. Allele origin: germline. Affected: yes.

GeneDx
Classification: Pathogenic. Last evaluated: 2024-09-19. Review status: criteria provided, single submitter. Criteria: GeneDx Variant Classification Process June 2021. Collection method: clinical testing. Allele origin: germline. Affected: yes.
Comment: Frameshift variant predicted to result in protein truncation in a gene for which loss of function is a known mechanism of disease; Not observed at significant frequency in large population cohorts (gnomAD); Has not been previously published as pathogenic or benign to our knowledge; This variant is associated with the following publications: (PMID: 17028174)

Ambry Genetics
Classification: Pathogenic for Hereditary cancer-predisposing syndrome. Last evaluated: 2024-06-06. Review status: criteria provided, single submitter. Criteria: Ambry Variant Classification Scheme 2023. Collection method: clinical testing. Allele origin: germline.
Comment: The c.1607_1622del16 pathogenic mutation, located in coding exon 11 of the FLCN gene, results from a deletion of 16 nucleotides at nucleotide positions 1607 to 1622, causing a translational frameshift with a predicted alternate stop codon (p.L536Rfs*10). This variant is considered to be rare based on population cohorts in the Genome Aggregation Database (gnomAD). This alteration occurs at the 3' terminus of theFLCN gene, is not expected to trigger nonsense-mediated mRNA decay, and only impacts the last 45 amino acids of the protein. However, premature stop codons are typically deleterious in nature, a significant portion of the protein is affected, and the impacted region is critical for protein function (Ambry internal data). Based on the supporting evidence, this variant is interpreted as a disease-causing mutation.

Blueprint Genetics
Classification: Likely pathogenic for FLCN-related disorders. Last evaluated: 2024-02-09. Review status: criteria provided, single submitter. Criteria: ACMG Guidelines, 2015. Collection method: clinical testing. Allele origin: germline. Affected: yes. Observed: 2 variant alleles.

Labcorp Genetics (formerly Invitae), Labcorp
Classification: Pathogenic for Birt-Hogg-Dube syndrome. Last evaluated: 2022-01-17. Review status: criteria provided, single submitter. Criteria: Invitae Variant Classification Sherloc (09022015). Collection method: clinical testing. Allele origin: germline.
Comment: This variant disrupts the FNIP1/2 interaction domain, which has been shown to be important for AMPK-mediated mTOR signaling pathways (PMID: 17028174, 18403135, 18663353, 22977732). While functional studies have not been performed to directly test the effect of this variant on FLCN protein function, this suggests that disruption of this region of the protein may be causative of disease. For these reasons, this variant has been classified as Pathogenic. This variant disrupts a region of the FLCN protein in which other variant(s) (p.Trp553Arg) have been determined to be pathogenic (Invitae; external communications). This suggests that this is a clinically significant region of the protein, and that variants that disrupt it are likely to be disease-causing. ClinVar contains an entry for this variant (Variation ID: 651413). This variant has not been reported in the literature in individuals affected with FLCN-related conditions. This variant is not present in population databases (gnomAD no frequency). This sequence change creates a premature translational stop signal (p.Leu536Argfs*10) in the FLCN gene. While this is not anticipated to result in nonsense mediated decay, it is expected to disrupt the last 44 amino acid(s) of the FLCN protein.

Literature cited by the submitters: PubMed 17028174 (cited by Labcorp Genetics (formerly Invitae), Labcorp); PubMed 18403135 (cited by Labcorp Genetics (formerly Invitae), Labcorp); PubMed 18663353 (cited by Labcorp Genetics (formerly Invitae), Labcorp); PubMed 22977732 (cited by Labcorp Genetics (formerly Invitae), Labcorp).